The following is an entry in ClinVar:

NM_182961.4(SYNE1):c.7279G>A (p.Ala2427Thr)

Gene: SYNE1 (spectrin repeat containing nuclear envelope protein 1; minus strand). Cytogenetic location: 6q25.2.
Variant type: single nucleotide variant.
Coding change: c.7279G>A on transcript NM_182961.4 (MANE Select); coding-DNA position 7279, G replaced by A.
Protein change: p.Ala2427Thr; replaces alanine 2427 with threonine.
Molecular consequence: missense variant.
Genome position (GRCh38, 1-based): chr6:152,398,690, C>T on the plus strand (G>A on the coding strand, the complement: SYNE1 is on the minus strand). VCF-style: chr6-152398690-C-T. GRCh37 (hg19) VCF-style: chr6-152719825-C-T.
Other names: c.7300G>A, p.Ala2434Thr (NM_033071.5); short protein forms A2427T, A2434T.
Identifiers: ClinVar variation 995291 (VCV000995291.4), dbSNP rs763152677, ClinGen allele CA4057858.

ClinVar aggregate classification (germline): Uncertain significance. Review status: criteria provided, multiple submitters, no conflicts (2 of 4 stars). 2 submissions from 2 submitters: Uncertain significance (2). Last evaluated 2022-10-26.

Conditions:
Autosomal recessive ataxia, Beauce type. Also called: ATAXIA, RECESSIVE, OF BEAUCE; Spinocerebellar ataxia, autosomal recessive 8; SYNE1-Related Autosomal Recessive Cerebellar Ataxia; SYNE1 Deficiency. Identifiers: Orphanet 88644, MedGen C1853116, MONDO:0012549, OMIM 610743.
Emery-Dreifuss muscular dystrophy 4, autosomal dominant (EDMD4). Also called: EMERY-DREIFUSS MUSCULAR DYSTROPHY 4 WITH VARIABLE FEATURES. Identifiers: Orphanet 261, MedGen C2751807, MONDO:0013071, OMIM 612998.

Allele frequency attached by ClinVar (database versions not stated): gnomAD exomes 0.00002; TOPMed 0.00002; ExAC 0.00002; gnomAD 0.00002.
gnomAD v4.1: 70 of 1,613,794 alleles (0.0043%); highest among the groups gnomAD compares: South Asian, 0.0055%; no homozygotes.

Submissions (2):

Labcorp Genetics (formerly Invitae), Labcorp
Classification: Uncertain significance for Emery-Dreifuss muscular dystrophy 4, autosomal dominant; Autosomal recessive ataxia, Beauce type. Last evaluated: 2022-10-26. Review status: criteria provided, single submitter. Criteria: Invitae Variant Classification Sherloc (09022015). Collection method: clinical testing. Allele origin: germline.
Comment: In summary, the available evidence is currently insufficient to determine the role of this variant in disease. Therefore, it has been classified as a Variant of Uncertain Significance. Algorithms developed to predict the effect of missense changes on protein structure and function output the following: SIFT: "Tolerated"; PolyPhen-2: "Benign"; Align-GVGD: "Class C0". The threonine amino acid residue is found in multiple mammalian species, which suggests that this missense change does not adversely affect protein function. ClinVar contains an entry for this variant (Variation ID: 995291). This variant has not been reported in the literature in individuals affected with SYNE1-related conditions. This variant is present in population databases (rs763152677, gnomAD 0.003%). This sequence change replaces alanine, which is neutral and non-polar, with threonine, which is neutral and polar, at codon 2434 of the SYNE1 protein (p.Ala2434Thr).

Athena Diagnostics
Classification: Uncertain significance. Last evaluated: 2020-03-30. Review status: criteria provided, single submitter. Criteria: Athena Diagnostics Criteria. Collection method: clinical testing. Allele origin: unknown.